The following is an entry in ClinVar:

ClinVar aggregate classification (germline): Uncertain significance. Review status: criteria provided, multiple submitters, no conflicts (2 of 4 stars). 2 submissions from 2 submitters: Uncertain significance (2). Last evaluated 2022-09-22.

Conditions:
Inborn genetic diseases. Identifiers: MedGen C0950123, MeSH D030342.

Allele frequency attached by ClinVar (database versions not stated): gnomAD exomes 0.00001 and 0.00002; gnomAD 0.00002; TOPMed 0.00002.
gnomAD v4.1: 28 of 1,613,356 alleles (0.0017%); highest among the groups gnomAD compares: Non-Finnish European, 0.0022%; no homozygotes.

Submissions (2):

Ambry Genetics
Classification: Uncertain significance for Inborn genetic diseases. Last evaluated: 2022-09-22. Review status: criteria provided, single submitter. Criteria: Ambry Variant Classification Scheme 2023. Collection method: clinical testing. Allele origin: germline.

Labcorp Genetics (formerly Invitae), Labcorp
Classification: Uncertain significance. Last evaluated: 2022-08-22. Review status: criteria provided, single submitter. Criteria: Invitae Variant Classification Sherloc (09022015). Collection method: clinical testing. Allele origin: germline.
Comment: In summary, the available evidence is currently insufficient to determine the role of this variant in disease. Therefore, it has been classified as a Variant of Uncertain Significance. Algorithms developed to predict the effect of missense changes on protein structure and function are either unavailable or do not agree on the potential impact of this missense change (SIFT: "Deleterious"; PolyPhen-2: "Probably Damaging"; Align-GVGD: "Class C0"). ClinVar contains an entry for this variant (Variation ID: 1361642). This variant has not been reported in the literature in individuals affected with TUBGCP6-related conditions. This variant is present in population databases (no rsID available, gnomAD 0.004%). This sequence change replaces serine, which is neutral and polar, with phenylalanine, which is neutral and non-polar, at codon 74 of the TUBGCP6 protein (p.Ser74Phe).

NM_020461.4(TUBGCP6):c.221C>T (p.Ser74Phe)

Gene: TUBGCP6 (tubulin gamma complex component 6; minus strand). Cytogenetic location: 22q13.33.
Variant type: single nucleotide variant.
Coding change: c.221C>T on transcript NM_020461.4 (MANE Select); coding-DNA position 221, C replaced by T.
Protein change: p.Ser74Phe; replaces serine 74 with phenylalanine.
Molecular consequence: missense variant.
Genome position (GRCh38, 1-based): chr22:50,244,239, G>A on the plus strand (C>T on the coding strand, the complement: TUBGCP6 is on the minus strand). VCF-style: chr22-50244239-G-A. GRCh37 (hg19) VCF-style: chr22-50682668-G-A.
Other names: c.221C>T (NM_020461.3); short protein forms S74F.
Identifiers: ClinVar variation 1361642 (VCV001361642.9), dbSNP rs1248236855, ClinGen allele CA412116575.